The following is an entry in ClinVar:

NM_000088.4(COL1A1):c.2236-17C>G

Gene: COL1A1 (collagen type I alpha 1 chain; minus strand). Cytogenetic location: 17q21.33.
Variant type: single nucleotide variant.
Coding change: c.2236-17C>G on transcript NM_000088.4 (MANE Select); 17 bases into the intron before coding-DNA position 2236, C replaced by G.
Molecular consequence: intron variant.
Genome position (GRCh38, 1-based): chr17:50,190,941, G>C on the plus strand (C>G on the coding strand, the complement: COL1A1 is on the minus strand). VCF-style: chr17-50190941-G-C. GRCh37 (hg19) VCF-style: chr17-48268302-G-C.
Identifiers: ClinVar variation 35909 (VCV000035909.78), dbSNP rs193922146, ClinGen allele CA260293.

ClinVar aggregate classification (germline): Benign/Likely benign. Review status: criteria provided, multiple submitters, no conflicts (2 of 4 stars). 7 submissions from 7 submitters: Benign (5); Likely benign (2). Last evaluated 2026-01-28.

Conditions:
Osteogenesis imperfecta type I (OI1). Also called: Osteogenesis imperfecta type 1; OI, TYPE I; OSTEOGENESIS IMPERFECTA TARDA; OSTEOGENESIS IMPERFECTA WITH BLUE SCLERAE; Lobstein disease; Classic Non-deforming Osteogenesis Imperfecta with Blue Sclerae. Identifiers: Orphanet 216796, Orphanet 666, MedGen C0023931, MONDO:0008146, OMIM 166200. Disease mechanism: loss of function.

Allele frequency attached by ClinVar (database versions not stated): ESP Exome Variant Server 0.00069; TOPMed 0.00071; gnomAD exomes 0.00090 and 0.00105; ExAC 0.00098; gnomAD 0.00130 and 0.00137.
gnomAD v4.1: 1,497 of 1,610,566 alleles (0.093%); highest among the groups gnomAD compares: Non-Finnish European, 0.093%; 6 homozygotes.

Submissions (10):

Labcorp Genetics (formerly Invitae), Labcorp
Classification: Benign for Osteogenesis imperfecta type I. Last evaluated: 2026-01-28. Review status: criteria provided, single submitter. Criteria: Invitae Variant Classification Sherloc (09022015). Collection method: clinical testing. Allele origin: germline.

Blueprint Genetics
Classification: Benign. Last evaluated: 2024-11-28. Review status: criteria provided, single submitter. Criteria: ACMG Guidelines, 2015. Collection method: clinical testing. Allele origin: germline.

ARUP Laboratories, Molecular Genetics and Genomics, ARUP Laboratories
Classification: Benign. Last evaluated: 2024-11-27. Review status: criteria provided, single submitter. Criteria: ARUP Molecular Germline Variant Investigation Process 2024. Collection method: clinical testing. Allele origin: germline.

CeGaT Center for Human Genetics Tuebingen
Classification: Likely benign. Last evaluated: 2023-07-01. Review status: criteria provided, single submitter. Criteria: CeGaT Center For Human Genetics Tuebingen Variant Classification Criteria Version 2. Collection method: clinical testing. Allele origin: germline. Affected: yes. Observed: 5 variant alleles.
Comment: COL1A1: BS1

Women's Health and Genetics/Laboratory Corporation of America, LabCorp
Classification: Benign. Last evaluated: 2023-05-03. Review status: criteria provided, single submitter. Criteria: LabCorp Variant Classification Summary - May 2015. Collection method: clinical testing. Allele origin: germline.
Comment: Variant summary: COL1A1 c.2236-17C>G alters a non-conserved nucleotide located close to a canonical splice site and therefore could affect mRNA splicing, leading to a significantly altered protein sequence. 4/4 computational tools predict no significant impact on normal splicing. However, these predictions have yet to be confirmed by functional studies. The variant allele was found at a frequency of 0.0011 in 250740 control chromosomes (gnomAD). The observed variant frequency is approximately 37 fold of the estimated maximal expected allele frequency for a pathogenic variant in COL1A1 causing Osteogenesis Imperfecta phenotype (2.8e-05), strongly suggesting that the variant is benign. To our knowledge, no occurrence of c.2236-17C>G in individuals affected with Osteogenesis Imperfecta and no experimental evidence demonstrating its impact on protein function have been reported. Four clinical diagnostic laboratories have submitted clinical-significance assessments for this variant to ClinVar after 2014 and all laboratories classified the variant as benign/likely benign. Based on the evidence outlined above, the variant was classified as benign.

GeneDx
Classification: Likely benign. Last evaluated: 2018-04-24. Review status: criteria provided, single submitter. Criteria: GeneDx Variant Classification Process June 2021. Collection method: clinical testing. Allele origin: germline. Affected: yes.

Athena Diagnostics
Classification: Benign. Last evaluated: 2017-12-12. Review status: criteria provided, single submitter. Criteria: Athena Diagnostics Criteria. Collection method: clinical testing. Allele origin: germline.

Dr. Peter K. Rogan Lab, Western University
No classification provided (evidence only). Condition: Familial cancer of breast. Review status: no classification provided. Collection method: in vitro. Allele origin: not applicable. Functional consequence: retained intron. Not counted in ClinVar's aggregate classification.

Dr. Peter K. Rogan Lab, Western University
No classification provided (evidence only). Condition: Ovarian serous cystadenocarcinoma. Review status: no classification provided. Collection method: in vitro. Allele origin: not applicable. Functional consequence: retained intron. Not counted in ClinVar's aggregate classification.

Dr. Peter K. Rogan Lab, Western University
No classification provided (evidence only). Condition: Gastric cancer. Review status: no classification provided. Collection method: in vitro. Allele origin: not applicable. Functional consequence: retained intron. Not counted in ClinVar's aggregate classification.